The following is an entry in ClinVar:

NM_006231.4(POLE):c.3154A>G (p.Thr1052Ala)

Gene: POLE (DNA polymerase epsilon, catalytic subunit; minus strand). Cytogenetic location: 12q24.33.
Variant type: single nucleotide variant.
Coding change: c.3154A>G on transcript NM_006231.4 (MANE Select); coding-DNA position 3154, A replaced by G.
Protein change: p.Thr1052Ala; replaces threonine 1052 with alanine.
Molecular consequence: missense variant.
Genome position (GRCh38, 1-based): chr12:132,659,416, T>C on the plus strand (A>G on the coding strand, the complement: POLE is on the minus strand). VCF-style: chr12-132659416-T-C. GRCh37 (hg19) VCF-style: chr12-133236002-T-C.
Other names: c.3154A>G (NM_006231.2); short protein forms T1052A.
Identifiers: ClinVar variation 568752 (VCV000568752.15), dbSNP rs557710829, ClinGen allele CA6893346.

ClinVar aggregate classification (germline): Uncertain significance. Review status: criteria provided, multiple submitters, no conflicts (2 of 4 stars). 4 submissions from 4 submitters: Uncertain significance (4). Last evaluated 2026-10-01.

Conditions:
Hereditary cancer-predisposing syndrome. Also called: Hereditary Cancer Syndrome; Neoplastic Syndromes, Hereditary; Tumor predisposition; Hereditary neoplastic syndrome. Identifiers: Orphanet 140162, MedGen C0027672, MeSH D009386, MONDO:0015356.
Colorectal cancer, susceptibility to, 12 (CRCS12). Also called: COLORECTAL CANCER, SUSCEPTIBILITY TO, ON CHROMOSOME 12q24. Identifiers: Orphanet 220460, MedGen C3554460, MONDO:0014038, OMIM 615083.

Allele frequency attached by ClinVar (database versions not stated): gnomAD exomes 0.00001; ExAC 0.00002; gnomAD 0.00002 and 0.00003; TOPMed 0.00002; 1000 Genomes Project 0.00040; 1000 Genomes Project 30x 0.00062.
gnomAD v4.1: 13 of 1,614,226 alleles (0.00081%); highest among the groups gnomAD compares: African/African-American, 0.0093%; no homozygotes.

Submissions (4):

St. Jude Molecular Pathology, St. Jude Children's Research Hospital
Classification: Uncertain significance for Colorectal cancer, susceptibility to, 12. Last evaluated: 2026-10-01. Review status: criteria provided, single submitter. Criteria: St. Jude Assertion Criteria 2020. Collection method: clinical testing. Allele origin: germline.
Comment: The POLE c.3154A>G p.(Thr1052Ala) missense change has a maximum subpopulation frequency of 0.01% in gnomAD v2.1.1. The in silico tool REVEL is inconclusive about a pathogenic or benign effect of this variant on protein function, and to our knowledge functional studies have not been performed. To our knowledge, this variant has not been reported in the literature in individuals with POLE-related disease. In summary, the evidence currently available is insufficient to determine the clinical significance of this variant. It has therefore been classified as of uncertain significance.

Center for Genomic Medicine, Rigshospitalet, Copenhagen University Hospital
Classification: Uncertain significance. Last evaluated: 2025-12-29. Review status: criteria provided, single submitter. Criteria: ACMG Guidelines, 2015. Collection method: clinical testing. Allele origin: germline.

Labcorp Genetics (formerly Invitae), Labcorp
Classification: Uncertain significance. Last evaluated: 2025-10-27. Review status: criteria provided, single submitter. Criteria: Invitae Variant Classification Sherloc (09022015). Collection method: clinical testing. Allele origin: germline.
Comment: This sequence change replaces threonine, which is neutral and polar, with alanine, which is neutral and non-polar, at codon 1052 of the POLE protein (p.Thr1052Ala). This variant is present in population databases (rs557710829, gnomAD 0.01%). This variant has not been reported in the literature in individuals affected with POLE-related conditions. ClinVar contains an entry for this variant (Variation ID: 568752). Invitae Evidence Modeling of protein sequence and biophysical properties (such as structural, functional, and spatial information, amino acid conservation, physicochemical variation, residue mobility, and thermodynamic stability) indicates that this missense variant is not expected to disrupt POLE protein function with a negative predictive value of 80%. In summary, the available evidence is currently insufficient to determine the role of this variant in disease. Therefore, it has been classified as a Variant of Uncertain Significance.

Ambry Genetics
Classification: Uncertain significance for Hereditary cancer-predisposing syndrome. Last evaluated: 2025-10-22. Review status: criteria provided, single submitter. Criteria: Ambry Variant Classification Scheme 2023. Collection method: clinical testing. Allele origin: germline.